The following is an entry in ClinVar:

NM_001080.3(ALDH5A1):c.1465A>G (p.Met489Val)

Gene: ALDH5A1 (aldehyde dehydrogenase 5 family member A1; plus strand). Cytogenetic location: 6p22.3.
Variant type: single nucleotide variant.
Coding change: c.1465A>G on transcript NM_001080.3 (MANE Select); coding-DNA position 1465, A replaced by G.
Protein change: p.Met489Val; replaces methionine 489 with valine.
Molecular consequence: missense variant.
Genome position (GRCh38, 1-based): chr6:24,533,569, A>G. VCF-style: chr6-24533569-A-G. GRCh37 (hg19) VCF-style: chr6-24533797-A-G.
Other names: c.1321A>G, p.Met441Val (NM_001368954.1); c.1504A>G, p.Met502Val (NM_170740.1); short protein forms M502V, M489V, M441V.
Identifiers: ClinVar variation 2063033 (VCV002063033.4), dbSNP rs952672503, ClinGen allele CA136113713.

ClinVar aggregate classification (germline): Uncertain significance (1 of 4 stars; one submission).

Conditions:
Succinate-semialdehyde dehydrogenase deficiency (SSADHD). Also called: SSADH DEFICIENCY; 4-HYDROXYBUTYRIC ACIDURIA; GABA METABOLIC DEFECT; Succinic Semialdehyde Dehydrogenase Deficiency. Identifiers: Orphanet 22, MedGen C0268631, MONDO:0010083, OMIM 271980.

Allele frequency attached by ClinVar (database versions not stated): gnomAD exomes below 0.00001; gnomAD 0.00001.

Submission:

Labcorp Genetics (formerly Invitae), Labcorp
Classification: Uncertain significance for Succinate-semialdehyde dehydrogenase deficiency. Last evaluated: 2022-05-22. Review status: criteria provided, single submitter. Criteria: Invitae Variant Classification Sherloc (09022015). Collection method: clinical testing. Allele origin: germline.
Comment: In summary, the available evidence is currently insufficient to determine the role of this variant in disease. Therefore, it has been classified as a Variant of Uncertain Significance. Algorithms developed to predict the effect of missense changes on protein structure and function are either unavailable or do not agree on the potential impact of this missense change (SIFT: "Deleterious"; PolyPhen-2: "Possibly Damaging"; Align-GVGD: "Class C0"). This variant has not been reported in the literature in individuals affected with ALDH5A1-related conditions. This variant is not present in population databases (gnomAD no frequency). This sequence change replaces methionine, which is neutral and non-polar, with valine, which is neutral and non-polar, at codon 489 of the ALDH5A1 protein (p.Met489Val).